The following is an entry in ClinVar:

NM_213655.5(WNK1):c.3032T>C (p.Leu1011Pro)

Gene: WNK1 (WNK lysine deficient protein kinase 1; plus strand). Cytogenetic location: 12p13.33.
Variant type: single nucleotide variant.
Coding change: c.3032T>C on transcript NM_213655.5 (MANE Plus Clinical); coding-DNA position 3032, T replaced by C.
Protein change: p.Leu1011Pro; replaces leucine 1011 with proline.
Molecular consequence: missense variant. On other transcripts: intron variant (2).
Genome position (GRCh38, 1-based): chr12:868,503, T>C. VCF-style: chr12-868503-T-C. GRCh37 (hg19) VCF-style: chr12-977669-T-C.
Other names: c.2777T>C, p.Leu926Pro (NM_001184985.2); c.2140-2762T>C (NM_018979.4, NM_014823.3); short protein forms L1011P, L926P.
Identifiers: ClinVar variation 1706271 (VCV001706271.2), dbSNP rs1951871924, ClinGen allele CA383340127.

ClinVar aggregate classification (germline): Uncertain significance (1 of 4 stars; one submission).

Allele frequency attached by ClinVar (database versions not stated): TOPMed below 0.00001.

Submission:

GeneDx
Classification: Uncertain significance. Last evaluated: 2022-03-17. Review status: criteria provided, single submitter. Criteria: GeneDx Variant Classification Process June 2021. Collection method: clinical testing. Allele origin: germline. Affected: yes.
Comment: Not observed at significant frequency in large population cohorts (gnomAD); In silico analysis supports that this missense variant does not alter protein structure/function; Has not been previously published as pathogenic or benign to our knowledge